The following is an entry in ClinVar:

NM_002755.4(MAP2K1):c.885G>T (p.Arg295Ser)

Gene: MAP2K1 (mitogen-activated protein kinase kinase 1; plus strand). Cytogenetic location: 15q22.31.
Variant type: single nucleotide variant.
Coding change: c.885G>T on transcript NM_002755.4 (MANE Select); coding-DNA position 885, G replaced by T.
Protein change: p.Arg295Ser; replaces arginine 295 with serine.
Molecular consequence: missense variant.
Genome position (GRCh38, 1-based): chr15:66,485,181, G>T. VCF-style: chr15-66485181-G-T. GRCh37 (hg19) VCF-style: chr15-66777519-G-T.
Other names: c.741G>T, p.Arg247Ser (NM_001411065.1); short protein forms R247S, R295S.
Identifiers: ClinVar variation 1903178 (VCV001903178.5), dbSNP rs2545101756, ClinGen allele CA392937424.
Genomic context (GRCh38, chr15:66,485,181, plus strand): 5'-TGGGTGCCAGGTGGAAGGAGATGCGGCTGAGACCCCACCCAGGCCAAGGACCCCCGGGAG[G>T]CCCCTTAGCTGTGAGTAGCCTGGTGTGTCCCCATCTTGGACTGTTGGAGGGGAGGGTCCC-3'
Protein context (NP_002746.1, residues 285-305): ETPPRPRTPG[Arg295Ser]PLSSYGMDSR

ClinVar aggregate classification (germline): Uncertain significance (1 of 4 stars; one submission).

Conditions:
RASopathy. Also called: Noonan spectrum disorder; rasopathies. Identifiers: Orphanet 536391, MedGen C5555857, MONDO:0021060.

Submission:

Labcorp Genetics (formerly Invitae), Labcorp
Classification: Uncertain significance for RASopathy. Last evaluated: 2023-08-04. Review status: criteria provided, single submitter. Criteria: Invitae Variant Classification Sherloc (09022015). Collection method: clinical testing. Allele origin: germline.
Comment: In summary, the available evidence is currently insufficient to determine the role of this variant in disease. Therefore, it has been classified as a Variant of Uncertain Significance. Advanced modeling of protein sequence and biophysical properties (such as structural, functional, and spatial information, amino acid conservation, physicochemical variation, residue mobility, and thermodynamic stability) performed at Invitae indicates that this missense variant is not expected to disrupt MAP2K1 protein function. ClinVar contains an entry for this variant (Variation ID: 1903178). This variant has not been reported in the literature in individuals affected with MAP2K1-related conditions. This variant is not present in population databases (gnomAD no frequency). This sequence change replaces arginine, which is basic and polar, with serine, which is neutral and polar, at codon 295 of the MAP2K1 protein (p.Arg295Ser).